The following is an entry in ClinVar:

ClinVar aggregate classification (germline): Pathogenic (1 of 4 stars; one submission).

Conditions:
Congenital myasthenic syndrome 4B. Also called: Myasthenic syndrome, congenital, 4b, fast-channel. Identifiers: Orphanet 590, MedGen C4225369, MONDO:0014586, OMIM 616324.

Submission:

3billion
Classification: Pathogenic for Congenital myasthenic syndrome 4B. Last evaluated: 2024-09-12. Review status: criteria provided, single submitter. Criteria: ACMG Guidelines, 2015. Collection method: clinical testing. Allele origin: germline. Affected: yes.
Comment: The variant is not observed in the gnomAD v4.0.0 dataset. Predicted Consequence/Location: Frameshift: predicted to result in a loss or disruption of normal protein function through nonsense-mediated decay (NMD) or protein truncation. Multiple pathogenic variants are reported downstream of the variant. Therefore, this variant is classified as Pathogenic according to the recommendation of ACMG/AMP guideline.

NM_000080.4(CHRNE):c.1066_1078del (p.Ser356fs)

Genes: CHRNE (cholinergic receptor nicotinic epsilon subunit; minus strand), LOC130060041 (ATAC-STARR-seq lymphoblastoid silent region 8050; plus strand). Cytogenetic location: 17p13.2.
Variant type: Deletion.
Coding change: c.1066_1078del on transcript NM_000080.4 (MANE Select); coding-DNA positions 1066 to 1078, 13 bases deleted (TCCCCGCCGCCGC).
Protein change: p.Ser356fs; shifts the reading frame from serine 356.
Molecular consequence: frameshift variant.
Genome position (GRCh38, 1-based): chr17:4,899,339-4,899,351, GCGGCGGCGGGGA deleted on the plus strand (TCCCCGCCGCCGC on the coding strand, the reverse complement: CHRNE is on the minus strand); deleting any 13 consecutive bases within chr17:4,899,339-4,899,353 gives the same sequence; the c. name uses the placement nearest the transcript's 3' end. VCF-style (leftmost placement, unchanged base first): chr17-4899338-GGCGGCGGCGGGGA-G. GRCh37 (hg19) VCF-style: chr17-4802633-GGCGGCGGCGGGGA-G.
Other names: short protein forms S356fs.
Identifiers: ClinVar variation 4293173 (VCV004293173.1).